The following is an entry in ClinVar:

ClinVar aggregate classification (germline): Uncertain significance (1 of 4 stars; one submission).

Submission:

Labcorp Genetics (formerly Invitae), Labcorp
Classification: Uncertain significance. Last evaluated: 2024-02-17. Review status: criteria provided, single submitter. Criteria: Invitae Variant Classification Sherloc (09022015). Collection method: clinical testing. Allele origin: germline.
Comment: This sequence change replaces isoleucine, which is neutral and non-polar, with serine, which is neutral and polar, at codon 2250 of the MTOR protein (p.Ile2250Ser). This variant is not present in population databases (gnomAD no frequency). This variant has not been reported in the literature in individuals affected with MTOR-related conditions. ClinVar contains an entry for this variant (Variation ID: 1386862). Advanced modeling of protein sequence and biophysical properties (such as structural, functional, and spatial information, amino acid conservation, physicochemical variation, residue mobility, and thermodynamic stability) has been performed at Invitae for this missense variant, however the output from this modeling did not meet the statistical confidence thresholds required to predict the impact of this variant on MTOR protein function. In summary, the available evidence is currently insufficient to determine the role of this variant in disease. Therefore, it has been classified as a Variant of Uncertain Significance.

NM_004958.4(MTOR):c.6749T>G (p.Ile2250Ser)

Gene: MTOR (mechanistic target of rapamycin kinase; minus strand). Cytogenetic location: 1p36.22.
Variant type: single nucleotide variant.
Coding change: c.6749T>G on transcript NM_004958.4 (MANE Select); coding-DNA position 6749, T replaced by G.
Protein change: p.Ile2250Ser; replaces isoleucine 2250 with serine.
Molecular consequence: missense variant.
Genome position (GRCh38, 1-based): chr1:11,122,040, A>C on the plus strand (T>G on the coding strand, the complement: MTOR is on the minus strand). VCF-style: chr1-11122040-A-C. GRCh37 (hg19) VCF-style: chr1-11182097-A-C.
Other names: c.6749T>G, p.Ile2250Ser (NM_001386500.1); c.5501T>G, p.Ile1834Ser (NM_001386501.1); short protein forms I1834S, I2250S.
Identifiers: ClinVar variation 1386862 (VCV001386862.6), dbSNP rs2100362490, ClinGen allele CA338385983.